The following is an entry in ClinVar:

NM_001148.6(ANK2):c.5281A>T (p.Thr1761Ser)

Genes: ANK2 (ankyrin 2; plus strand), LOC126807136 (MED14-independent group 3 enhancer GRCh37_chr4:114274931-114276130; plus strand). Cytogenetic location: 4q26.
Variant type: single nucleotide variant.
Coding change: c.5281A>T on transcript NM_001148.6 (MANE Select); coding-DNA position 5281, A replaced by T.
Protein change: p.Thr1761Ser; replaces threonine 1761 with serine.
Molecular consequence: missense variant. On other transcripts: intron variant (68).
Genome position (GRCh38, 1-based): chr4:113,353,899, A>T. VCF-style: chr4-113353899-A-T. GRCh37 (hg19) VCF-style: chr4-114275055-A-T.
Other names: c.5047A>T, p.Thr1683Ser (NM_001386142.1); c.1681A>T, p.Thr561Ser (NM_001386166.1); c.5422A>T, p.Thr1808Ser (NM_001386174.1); c.5398A>T, p.Thr1800Ser (NM_001386175.1); c.4411+3650A>T (NM_001386186.2, NM_001386148.2); c.4213+3650A>T (NM_001354269.3); c.4291+3650A>T (NM_001386187.2); c.4252+3650A>T (NM_001386147.1); and 35 more; short protein forms T1683S, T1761S, T1800S, T1808S, T561S.
Identifiers: ClinVar variation 1316517 (VCV001316517.2), dbSNP rs1325692328, ClinGen allele CA357918570.
Genomic context (GRCh38, chr4:113,353,899, plus strand): 5'-CCAGGTTTAGCCCCTGAACCCCTTCCCACTGTCAAGGCCACATCTCCTTTGATAGAAGAA[A>T]CTCCCATTGGTTCCATAAAGGACAAAGTAAAGGCCCTTCAGAAGCGAGTGGAAGATGAAC-3'
Protein context (NP_001139.3, residues 1751-1771): VKATSPLIEE[Thr1761Ser]PIGSIKDKVK

ClinVar aggregate classification (germline): Uncertain significance (1 of 4 stars; one submission).

Allele frequency attached by ClinVar (database versions not stated): gnomAD exomes below 0.00001.
gnomAD v4.1: 1 of 1,613,940 alleles (0.000062%); highest among the groups gnomAD compares: South Asian, 0.0011%; no homozygotes.

Submission:

GeneDx
Classification: Uncertain significance. Last evaluated: 2019-12-09. Review status: criteria provided, single submitter. Criteria: GeneDx Variant Classification Process June 2021. Collection method: clinical testing. Allele origin: germline. Affected: yes.
Comment: Has not been previously published as pathogenic or benign to our knowledge; Not observed in large population cohorts (Lek et al., 2016); In silico analysis, which includes protein predictors and evolutionary conservation, supports that this variant does not alter protein structure/function